The following is an entry in ClinVar:

NM_004183.4(BEST1):c.1752T>A (p.His584Gln)

Gene: BEST1 (bestrophin 1; plus strand). Cytogenetic location: 11q12.3.
Variant type: single nucleotide variant.
Coding change: c.1752T>A on transcript NM_004183.4 (MANE Select); coding-DNA position 1752, T replaced by A.
Protein change: p.His584Gln; replaces histidine 584 with glutamine.
Molecular consequence: missense variant. On other transcripts: non-coding transcript variant (1).
Genome position (GRCh38, 1-based): chr11:61,964,116, T>A. VCF-style: chr11-61964116-T-A. GRCh37 (hg19) VCF-style: chr11-61731588-T-A.
Other names: c.*967T>A (NM_001139443.3, NM_001363591.3, NM_001363593.3); c.1491T>A, p.His497Gln (NM_001300786.2); c.1572T>A, p.His524Gln (NM_001300787.2); c.*1857T>A (NM_001363592.2); c.1752T>A (NM_004183.3); short protein forms H584Q, H497Q, H524Q.
Identifiers: ClinVar variation 193873 (VCV000193873.16), dbSNP rs534854547, ClinGen allele CA239557.
Genomic context (GRCh38, chr11:61,964,116, plus strand): 5'-TGAAGGGACCTTCCATACTTATGCTGTTAATACTTTCATTCTCACTAGGGATGAAGCACA[T>A]TCCTAACCTGCTTCCTAATGGGGATGCTTCGCCAGCCAGGTCCTCACCTGTGTGTACACC-3'
Protein context (NP_004174.1, residues 574-585): YWALENRDEA[His584Gln]S

ClinVar aggregate classification (germline): Uncertain significance. Review status: criteria provided, multiple submitters, no conflicts (2 of 4 stars). 3 submissions from 3 submitters: Uncertain significance (3). Last evaluated 2026-05-11.

Conditions:
BEST1-related disorder. Also called: BEST1-related condition; BEST1-related disorders. Identifiers: MedGen CN239200.

Allele frequency attached by ClinVar (database versions not stated): gnomAD 0.00009 and 0.00008; TOPMed 0.00014; 1000 Genomes Project 30x 0.00016; 1000 Genomes Project 0.00020; gnomAD exomes 0.00001; ExAC 0.00002.

Submissions (3):

PreventionGenetics, part of Exact Sciences
Classification: Uncertain significance for BEST1-related condition. Last evaluated: 2026-05-11. Review status: criteria provided, single submitter. Criteria: ACMG Guidelines, 2015. Collection method: clinical testing. Allele origin: germline.
Comment: The BEST1 c.1752T>A variant is predicted to result in the amino acid substitution p.His584Gln. To our knowledge, this variant has not been reported in the literature. This variant is reported in 0.024% of alleles in individuals of African descent in gnomAD. At this time, the clinical significance of this variant is uncertain due to the absence of conclusive functional and genetic evidence.

Labcorp Genetics (formerly Invitae), Labcorp
Classification: Uncertain significance. Last evaluated: 2024-12-02. Review status: criteria provided, single submitter. Criteria: Invitae Variant Classification Sherloc (09022015). Collection method: clinical testing. Allele origin: germline.
Comment: This sequence change replaces histidine, which is basic and polar, with glutamine, which is neutral and polar, at codon 584 of the BEST1 protein (p.His584Gln). This variant is present in population databases (rs534854547, gnomAD 0.03%). This variant has not been reported in the literature in individuals affected with BEST1-related conditions. ClinVar contains an entry for this variant (Variation ID: 193873). Invitae Evidence Modeling of protein sequence and biophysical properties (such as structural, functional, and spatial information, amino acid conservation, physicochemical variation, residue mobility, and thermodynamic stability) has been performed for this missense variant. However, the output from this modeling did not meet the statistical confidence thresholds required to predict the impact of this variant on BEST1 protein function. In summary, the available evidence is currently insufficient to determine the role of this variant in disease. Therefore, it has been classified as a Variant of Uncertain Significance.

Eurofins Ntd Llc (ga)
Classification: Uncertain significance. Last evaluated: 2014-05-14. Review status: criteria provided, single submitter. Criteria: EGL Classification Definitions 2015. Collection method: clinical testing. Allele origin: germline. Observed: 1 variant allele, 1 heterozygote.